The following is an entry in ClinVar:

ClinVar aggregate classification (germline): Benign/Likely benign. Review status: criteria provided, multiple submitters, no conflicts (2 of 4 stars). 5 submissions from 5 submitters: Benign (2); Likely benign (3). Last evaluated 2026-06-01.

Allele frequency attached by ClinVar (database versions not stated): ESP Exome Variant Server 0.00062.
gnomAD v4.1: 581 of 1,614,072 alleles (0.036%); highest among the groups gnomAD compares: Middle Eastern, 0.13%; 3 homozygotes.

Submissions (5):

CeGaT Center for Human Genetics Tuebingen
Classification: Likely benign. Last evaluated: 2026-06-01. Review status: criteria provided, single submitter. Criteria: CeGaT Center For Human Genetics Tuebingen Variant Classification Criteria Version 2. Collection method: clinical testing. Allele origin: germline. Affected: yes. Observed: 5 variant alleles.
Comment: MCM3AP: BP4, BP7

Labcorp Genetics (formerly Invitae), Labcorp
Classification: Benign. Last evaluated: 2026-02-01. Review status: criteria provided, single submitter. Criteria: Invitae Variant Classification Sherloc (09022015). Collection method: clinical testing. Allele origin: germline.

Women's Health and Genetics/Laboratory Corporation of America, LabCorp
Classification: Likely benign. Last evaluated: 2025-04-02. Review status: criteria provided, single submitter. Criteria: LabCorp Variant Classification Summary - May 2015. Collection method: clinical testing. Allele origin: germline.

Blueprint Genetics
Classification: Likely benign. Last evaluated: 2024-11-27. Review status: criteria provided, single submitter. Criteria: ACMG Guidelines, 2015. Collection method: clinical testing. Allele origin: germline.

Breakthrough Genomics
Classification: Benign. Review status: criteria provided, single submitter. Criteria: ACMG Guidelines, 2015. Collection method: not provided. Allele origin: germline. Inheritance: Autosomal recessive inheritance. Affected: yes.

NM_003906.5(MCM3AP):c.5823G>C (p.Ala1941=)

Genes: MCM3AP (minichromosome maintenance complex component 3 associated protein; minus strand), MCM3AP-AS1 (MCM3AP antisense RNA 1; plus strand). Cytogenetic location: 21q22.3.
Variant type: single nucleotide variant.
Coding change: c.5823G>C on transcript NM_003906.5 (MANE Select); coding-DNA position 5823, G replaced by C.
Protein change: p.Ala1941=; no amino-acid change (alanine 1941 retained).
Molecular consequence: synonymous variant.
Genome position (GRCh38, 1-based): chr21:46,235,388, C>G on the plus strand (G>C on the coding strand, the complement: MCM3AP is on the minus strand). VCF-style: chr21-46235388-C-G. GRCh37 (hg19) VCF-style: chr21-47655302-C-G.
Identifiers: ClinVar variation 1601135 (VCV001601135.40), dbSNP rs141757607, ClinGen allele CA10075728.
Genomic context (GRCh38, chr21:46,235,388, plus strand): 5'-CCTTGAACTCCGGATCAGCCTTTCCAGGTGCTTTAGTCGTTCGCCTAGACACGTTCCTGT[C>G]GCCTCTGACAGCTGCAGTTGCTCCCTCATCATGTCACTCTATTTGAATAAAAAAGAAACT-3'
Protein context (NP_003897.2, residues 1931-1951): MMREQLQLSE[Ala1941=]TGTCLGERLK